The following is an entry in ClinVar:

ClinVar aggregate classification (germline): Uncertain significance (1 of 4 stars; one submission).

Allele frequency attached by ClinVar (database versions not stated): TOPMed below 0.00001.

Submission:

Labcorp Genetics (formerly Invitae), Labcorp
Classification: Uncertain significance. Last evaluated: 2023-08-30. Review status: criteria provided, single submitter. Criteria: Invitae Variant Classification Sherloc (09022015). Collection method: clinical testing. Allele origin: germline.
Comment: In summary, the available evidence is currently insufficient to determine the role of this variant in disease. Therefore, it has been classified as a Variant of Uncertain Significance. Advanced modeling of protein sequence and biophysical properties (such as structural, functional, and spatial information, amino acid conservation, physicochemical variation, residue mobility, and thermodynamic stability) performed at Invitae indicates that this missense variant is not expected to disrupt CARMIL2 protein function. ClinVar contains an entry for this variant (Variation ID: 1494046). This variant has not been reported in the literature in individuals affected with CARMIL2-related conditions. This variant is not present in population databases (gnomAD no frequency). This sequence change replaces proline, which is neutral and non-polar, with arginine, which is basic and polar, at codon 1077 of the CARMIL2 protein (p.Pro1077Arg).

NM_001013838.3(CARMIL2):c.3230C>G (p.Pro1077Arg)

Gene: CARMIL2 (capping protein regulator and myosin 1 linker 2; plus strand). Cytogenetic location: 16q22.1.
Variant type: single nucleotide variant.
Coding change: c.3230C>G on transcript NM_001013838.3 (MANE Select); coding-DNA position 3230, C replaced by G.
Protein change: p.Pro1077Arg; replaces proline 1077 with arginine.
Molecular consequence: missense variant.
Genome position (GRCh38, 1-based): chr16:67,654,340, C>G. VCF-style: chr16-67654340-C-G. GRCh37 (hg19) VCF-style: chr16-67688243-C-G.
Other names: c.3122C>G, p.Pro1041Arg (NM_001317026.3); short protein forms P1041R, P1077R.
Identifiers: ClinVar variation 1494046 (VCV001494046.8), dbSNP rs1283699496, ClinGen allele CA396344275.